The following is an entry in ClinVar:

ClinVar aggregate classification (germline): Uncertain significance. Review status: criteria provided, multiple submitters, no conflicts (2 of 4 stars). 2 submissions from 2 submitters: Uncertain significance (2). Last evaluated 2025-04-21.

Conditions:
Arrhythmogenic cardiomyopathy with wooly hair and keratoderma. Also called: Carvajal syndrome; PALMOPLANTAR KERATODERMA WITH LEFT VENTRICULAR CARDIOMYOPATHY AND WOOLLY HAIR; Dilated cardiomyopathy with woolly hair and keratoderma; Arrhythmogenic cardiomyopathy with woolly hair and keratoderma. Identifiers: Orphanet 65282, MedGen C1854063, MONDO:0011581, OMIM 605676.

Submissions (2):

GeneDx
Classification: Uncertain significance. Last evaluated: 2025-04-21. Review status: criteria provided, single submitter. Criteria: GeneDx Variant Classification Process June 2021. Collection method: clinical testing. Allele origin: germline. Affected: yes.
Comment: Not observed at significant frequency in large population cohorts (gnomAD); In silico analysis supports that this missense variant has a deleterious effect on protein structure/function; Has not been previously published as pathogenic or benign to our knowledge

All of Us Research Program, National Institutes of Health
Classification: Uncertain significance for Arrhythmogenic cardiomyopathy with wooly hair and keratoderma. Last evaluated: 2024-07-10. Review status: criteria provided, single submitter. Criteria: ACMG Guidelines, 2015. Collection method: clinical testing. Allele origin: germline. Inheritance: Autosomal dominant inheritance. Observed: 1 variant allele, 1 heterozygote.
Comment: This missense variant replaces methionine with isoleucine at codon 2707 of the DSP protein. Computational prediction suggests that this variant may not impact protein structure and function (internally defined REVEL score threshold <= 0.5, PMID: 27666373). To our knowledge, functional studies have not been reported for this variant. This variant has not been reported in individuals affected with DSP-related disorders in the literature. This variant has not been identified in the general population by the Genome Aggregation Database (gnomAD). The available evidence is insufficient to determine the role of this variant in disease conclusively. Therefore, this variant is classified as a Variant of Uncertain Significance.

This study involves interpretation of variants in research participants for the purpose of population health screening. Participant phenotype was not available at the time of variant classification. Additional details can be found in publication PMID: 35346344, PMCID: PMC8962531

NM_004415.4(DSP):c.8121G>A (p.Met2707Ile)

Gene: DSP (desmoplakin; plus strand). Cytogenetic location: 6p24.3.
Variant type: single nucleotide variant.
Coding change: c.8121G>A on transcript NM_004415.4 (MANE Select); coding-DNA position 8121, G replaced by A.
Protein change: p.Met2707Ile; replaces methionine 2707 with isoleucine.
Molecular consequence: missense variant.
Genome position (GRCh38, 1-based): chr6:7,585,383, G>A. VCF-style: chr6-7585383-G-A. GRCh37 (hg19) VCF-style: chr6-7585616-G-A.
Other names: c.6324G>A, p.Met2108Ile (NM_001008844.3); c.6792G>A, p.Met2264Ile (NM_001319034.2); short protein forms M2108I, M2264I, M2707I.
Identifiers: ClinVar variation 3386729 (VCV003386729.2).